The following is an entry in ClinVar:

ClinVar aggregate classification (germline): Uncertain significance. Review status: criteria provided, multiple submitters, no conflicts (2 of 4 stars). 5 submissions from 5 submitters: Uncertain significance (3). 2 of the submissions do not count toward it. Last evaluated 2026-01-19.

Conditions:
Catecholaminergic polymorphic ventricular tachycardia 1. Also called: VENTRICULAR TACHYCARDIA, CATECHOLAMINERGIC POLYMORPHIC, 1, WITH OR WITHOUT ATRIAL DYSFUNCTION AND/OR DILATED CARDIOMYOPATHY; VENTRICULAR TACHYCARDIA, STRESS-INDUCED POLYMORPHIC 1; RYR2-Related Catecholaminergic Polymorphic Ventricular Tachycardia. Identifiers: Orphanet 3286, MedGen C1631597, MONDO:0011484, OMIM 604772.
Cardiovascular phenotype. Identifiers: MedGen CN230736.
Cardiomyopathy (CMYO). Also called: Cardiomyopathies. Identifiers: Orphanet 167848, MedGen C0878544, MONDO:0004994, HP:0001638. Inheritance: Various modes of inheritance.

Allele frequency attached by ClinVar (database versions not stated): gnomAD exomes below 0.00001 and 0.00001; ExAC 0.00001; gnomAD 0.00001; TOPMed 0.00001.
gnomAD v4.1: 16 of 1,612,504 alleles (0.00099%); highest among the groups gnomAD compares: Non-Finnish European, 0.0013%; no homozygotes.

Submissions (5):

Labcorp Genetics (formerly Invitae), Labcorp
Classification: Uncertain significance for Catecholaminergic polymorphic ventricular tachycardia 1. Last evaluated: 2026-01-19. Review status: criteria provided, single submitter. Criteria: Invitae Variant Classification Sherloc (09022015). Collection method: clinical testing. Allele origin: germline.
Comment: This sequence change replaces histidine, which is basic and polar, with arginine, which is basic and polar, at codon 808 of the RYR2 protein (p.His808Arg). This variant is present in population databases (rs757443712, gnomAD 0.0009%). This variant has not been reported in the literature in individuals affected with RYR2-related conditions. ClinVar contains an entry for this variant (Variation ID: 806395). Invitae Evidence Modeling of protein sequence and biophysical properties (such as structural, functional, and spatial information, amino acid conservation, physicochemical variation, residue mobility, and thermodynamic stability) indicates that this missense variant is not expected to disrupt RYR2 protein function with a negative predictive value of 95%. In summary, the available evidence is currently insufficient to determine the role of this variant in disease. Therefore, it has been classified as a Variant of Uncertain Significance.

Ambry Genetics
Classification: Uncertain significance for Cardiovascular phenotype. Last evaluated: 2024-12-13. Review status: criteria provided, single submitter. Criteria: Ambry Variant Classification Scheme 2023. Collection method: clinical testing. Allele origin: germline.
Comment: The p.H808R variant (also known as c.2423A>G), located in coding exon 22 of the RYR2 gene, results from an A to G substitution at nucleotide position 2423. The histidine at codon 808 is replaced by arginine, an amino acid with highly similar properties. This amino acid position is highly conserved in available vertebrate species. In addition, the in silico prediction for this alteration is inconclusive. Based on the available evidence, the clinical significance of this variant remains unclear.

Color Diagnostics, LLC DBA Color Health
Classification: Uncertain significance for Cardiomyopathy. Last evaluated: 2022-09-19. Review status: criteria provided, single submitter. Criteria: ACMG Guidelines, 2015. Collection method: clinical testing. Allele origin: germline.
Comment: This missense variant replaces histidine with arginine at codon 808 of the RYR2 protein. Computational prediction is inconclusive regarding the impact of this variant on protein structure and function (internally defined REVEL score threshold 0.5 < inconclusive < 0.7, PMID: 27666373). To our knowledge, functional studies have not been reported for this variant. This variant has not been reported in individuals affected with cardiovascular disorders in the literature. This variant has been identified in 1/246176 chromosomes in the general population by the Genome Aggregation Database (gnomAD). The available evidence is insufficient to determine the role of this variant in disease conclusively. Therefore, this variant is classified as a Variant of Uncertain Significance.

Clinical Genetics, Academic Medical Center
Classification: Uncertain significance. Review status: no assertion criteria provided. Collection method: clinical testing. Allele origin: germline. Affected: yes. Study: VKGL Data-share Consensus. Not counted in ClinVar's aggregate classification.

Joint Genome Diagnostic Labs from Nijmegen and Maastricht, Radboudumc and MUMC+
Classification: Uncertain significance. Review status: no assertion criteria provided. Collection method: clinical testing. Allele origin: germline. Affected: yes. Study: VKGL Data-share Consensus. Not counted in ClinVar's aggregate classification.

NM_001035.3(RYR2):c.2423A>G (p.His808Arg)

Gene: RYR2 (ryanodine receptor 2; plus strand). Cytogenetic location: 1q43.
Variant type: single nucleotide variant.
Coding change: c.2423A>G on transcript NM_001035.3 (MANE Select); coding-DNA position 2423, A replaced by G.
Protein change: p.His808Arg; replaces histidine 808 with arginine.
Molecular consequence: missense variant.
Genome position (GRCh38, 1-based): chr1:237,503,315, A>G. VCF-style: chr1-237503315-A-G. GRCh37 (hg19) VCF-style: chr1-237666615-A-G.
Other names: c.2423A>G (NM_001035.2); short protein forms H808R.
Identifiers: ClinVar variation 806395 (VCV000806395.26), dbSNP rs757443712, ClinGen allele CA086049.
Genomic context (GRCh38, chr1:237,503,315, plus strand): 5'-AGATAAAATTGACTCTAACGTGCATCCTCTTTAGAGTACGCTTTCTGCTTGGAGGGCGAC[A>G]TGGAGAATTCAAATTTCTTCCTCCACCTGGGTATGCTCCTTGTTATGAAGCTGTTCTGCC-3'
Protein context (NP_001026.2, residues 798-818): IKVRFLLGGR[His808Arg]GEFKFLPPPG